The following is an entry in ClinVar:

NM_001042492.3(NF1):c.4446A>G (p.Ile1482Met)

Gene: NF1 (neurofibromin 1; plus strand). Cytogenetic location: 17q11.2.
Variant type: single nucleotide variant.
Coding change: c.4446A>G on transcript NM_001042492.3 (MANE Select); coding-DNA position 4446, A replaced by G.
Protein change: p.Ile1482Met; replaces isoleucine 1482 with methionine.
Molecular consequence: missense variant.
Genome position (GRCh38, 1-based): chr17:31,260,384, A>G. VCF-style: chr17-31260384-A-G. GRCh37 (hg19) VCF-style: chr17-29587402-A-G.
Other names: c.4383A>G, p.Ile1461Met (NM_000267.4); short protein forms I1461M, I1482M.
Identifiers: ClinVar variation 230792 (VCV000230792.19), dbSNP rs876658776, ClinGen allele CA10580317.

ClinVar aggregate classification (germline): Uncertain significance. Review status: criteria provided, multiple submitters, no conflicts (2 of 4 stars). 9 submissions from 8 submitters: Uncertain significance (9). Last evaluated 2026-02-02.

Conditions:
Hereditary cancer-predisposing syndrome. Also called: Hereditary Cancer Syndrome; Neoplastic Syndromes, Hereditary; Tumor predisposition; Hereditary neoplastic syndrome. Identifiers: Orphanet 140162, MedGen C0027672, MeSH D009386, MONDO:0015356.
Neurofibromatosis, type 1 (NF1). Also called: Neurofibromatosis, type I; VON RECKLINGHAUSEN DISEASE; NEUROFIBROMATOSIS, TYPE I, SOMATIC; Peripheral type neurofibromatosis. Identifiers: Orphanet 636, MedGen C0027831, MONDO:0018975, OMIM 162200. Disease mechanism: loss of function.
Cardiovascular phenotype. Identifiers: MedGen CN230736.

Allele frequency attached by ClinVar (database versions not stated): gnomAD exomes below 0.00001; gnomAD 0.00001; TOPMed 0.00002.
gnomAD v4.1: 5 of 1,613,830 alleles (0.00031%); highest among the groups gnomAD compares: Non-Finnish European, 0.00042%; no homozygotes.

Submissions (9):

Labcorp Genetics (formerly Invitae), Labcorp
Classification: Uncertain significance for Neurofibromatosis, type 1. Last evaluated: 2026-02-02. Review status: criteria provided, single submitter. Criteria: Invitae Variant Classification Sherloc (09022015). Collection method: clinical testing. Allele origin: germline.
Comment: This sequence change replaces isoleucine, which is neutral and non-polar, with methionine, which is neutral and non-polar, at codon 1461 of the NF1 protein (p.Ile1461Met). This variant is not present in population databases (gnomAD no frequency). This missense change has been observed in individual(s) with personal of family history of breast and/or ovarian cancer (PMID: 31159747). ClinVar contains an entry for this variant (Variation ID: 230792). Invitae Evidence Modeling of protein sequence and biophysical properties (such as structural, functional, and spatial information, amino acid conservation, physicochemical variation, residue mobility, and thermodynamic stability) indicates that this missense variant is expected to disrupt NF1 protein function with a positive predictive value of 80%. RNA analysis performed to evaluate the impact of this missense change on mRNA splicing indicates it does not significantly alter splicing (internal data). In summary, the available evidence is currently insufficient to determine the role of this variant in disease. Therefore, it has been classified as a Variant of Uncertain Significance.

Quest Diagnostics Nichols Institute San Juan Capistrano
Classification: Uncertain significance. Last evaluated: 2025-07-11. Review status: criteria provided, single submitter. Criteria: Quest Diagnostics criteria. Collection method: clinical testing. Allele origin: unknown.

Institute for Biomarker Research, Medical Diagnostic Laboratories, L.L.C.
Classification: Uncertain significance for Hereditary cancer-predisposing syndrome. Last evaluated: 2024-06-04. Review status: criteria provided, single submitter. Criteria: ACMG Guidelines, 2015. Collection method: clinical testing. Allele origin: germline.

GeneDx
Classification: Uncertain significance. Last evaluated: 2023-03-15. Review status: criteria provided, single submitter. Criteria: GeneDx Variant Classification Process June 2021. Collection method: clinical testing. Allele origin: germline. Affected: yes.
Comment: In silico analysis supports that this missense variant has a deleterious effect on protein structure/function; Observed in an individual with unspecified familial cancer (Tsaousis et al., 2019); This variant is associated with the following publications: (PMID: 31159747, 22807134)

Genome-Nilou Lab
Classification: Uncertain significance for Neurofibromatosis, type 1. Last evaluated: 2022-03-15. Review status: criteria provided, single submitter. Criteria: ACMG Guidelines, 2015. Collection method: clinical testing. Allele origin: germline. Affected: no.

Ambry Genetics
Classification: Uncertain significance for Cardiovascular phenotype; Hereditary cancer-predisposing syndrome. Last evaluated: 2021-06-30. Review status: criteria provided, single submitter. Criteria: Ambry Variant Classification Scheme 2023. Collection method: clinical testing. Allele origin: germline.

GeneKor MSA
Classification: Uncertain significance for Hereditary cancer-predisposing syndrome. Last evaluated: 2018-08-01. Review status: criteria provided, single submitter. Criteria: ACMG Guidelines, 2015. Collection method: clinical testing. Allele origin: germline. Affected: yes.

Ambry Genetics
Classification: Uncertain significance for Hereditary cancer-predisposing syndrome. Last evaluated: 2015-03-11. Review status: criteria provided, single submitter. Criteria: Ambry Autosomal Dominant and X-Linked criteria (10/2015). Collection method: clinical testing. Allele origin: germline. Observed: 1 variant allele.
Comment: The p.I1482M variant (also known as c.4446A>G), located in coding exon 34 of the NF1 gene, results from an A to G substitution at nucleotide position 4446. The isoleucine at codon 1482 is replaced by methionine, an amino acid with highly similar properties. This variant was not reported in population based cohorts in the following databases: Database of Single Nucleotide Polymorphisms (dbSNP), NHLBI Exome Sequencing Project (ESP), and 1000 Genomes Project. In the ESP, this variant was not observed in 6503 samples (13006 alleles) with coverage at this position. To date, this alteration has been detected with an allele frequency of approximately 0.01% (greater than 55000alleles tested) in our clinical cohort.In addition, the in silico prediction for this alteration is inconclusive.Since supporting evidence is limited at this time, the clinical significance of p.I1482Mremains unclear.

Breakthrough Genomics
Classification: Uncertain significance. Review status: criteria provided, single submitter. Criteria: ACMG Guidelines, 2015. Collection method: not provided. Allele origin: germline. Inheritance: Autosomal dominant inheritance. Affected: yes.

Literature cited by the submitters: PubMed 31159747 (cited by Labcorp Genetics (formerly Invitae), Labcorp).